The following is an entry in ClinVar:

NM_014271.4(IL1RAPL1):c.1844_1846delinsGCA (p.Tyr615_His616delinsCysAsn)

Gene: IL1RAPL1 (interleukin 1 receptor accessory protein like 1; plus strand). Cytogenetic location: Xp21.2.
Variant type: Indel.
Coding change: c.1844_1846delinsGCA on transcript NM_014271.4 (MANE Select); coding-DNA positions 1844 to 1846, ACC replaced by GCA.
Protein change: p.Tyr615_His616delinsCysAsn.
Molecular consequence: missense variant.
Genome position (GRCh38, 1-based): chrX:29,955,573-29,955,575, ACC replaced by GCA. VCF-style: chrX-29955573-ACC-GCA. GRCh37 (hg19) VCF-style: chrX-29973690-ACC-GCA.
Identifiers: ClinVar variation 4538624 (VCV004538624.1).

ClinVar aggregate classification (germline): Uncertain significance (1 of 4 stars; one submission).

Submission:

GeneDx
Classification: Uncertain significance. Last evaluated: 2025-06-17. Review status: criteria provided, single submitter. Criteria: GeneDx Variant Classification Process June 2021. Collection method: clinical testing. Allele origin: germline. Affected: yes.
Comment: Not observed at significant frequency in large population cohorts (gnomAD); In silico analysis suggests that this variant does not alter protein structure/function; Has not been previously published as pathogenic or benign to our knowledge